The following is an entry in ClinVar:

NM_018089.3(ANKZF1):c.1968G>T (p.Glu656Asp)

Gene: ANKZF1 (ankyrin repeat and zinc finger peptidyl tRNA hydrolase 1; plus strand). Cytogenetic location: 2q35.
Variant type: single nucleotide variant.
Coding change: c.1968G>T on transcript NM_018089.3 (MANE Select); coding-DNA position 1968, G replaced by T.
Protein change: p.Glu656Asp; replaces glutamic acid 656 with aspartic acid.
Molecular consequence: missense variant.
Genome position (GRCh38, 1-based): chr2:219,235,872, G>T. VCF-style: chr2-219235872-G-T. GRCh37 (hg19) VCF-style: chr2-220100594-G-T.
Other names: c.1968G>T, p.Glu656Asp (NM_001042410.2); c.1338G>T, p.Glu446Asp (NM_001282792.2); short protein forms E446D, E656D.
Identifiers: ClinVar variation 1968421 (VCV001968421.5), dbSNP rs770049065, ClinGen allele CA350688349.
Genomic context (GRCh38, chr2:219,235,872, plus strand): 5'-GGAGCAGGAGGAGCGTGAACGAGAAGAGCAGCGGCGATTTGCCGCCCTCAGTGACCGAGA[G>T]AAGGTGAGGCTGGAGGTTCTCTTGTCCATGGCAAGGCTTCCTAGAGGTCTAACCCCTTCC-3'
Protein context (NP_060559.2, residues 646-666): QRRFAALSDR[Glu656Asp]KRALAAERRL

ClinVar aggregate classification (germline): Uncertain significance (1 of 4 stars; one submission).

gnomAD v4.1: 1 of 1,614,182 alleles (0.000062%); highest among the groups gnomAD compares: Admixed American, 0.0017%; no homozygotes.

Submission:

Labcorp Genetics (formerly Invitae), Labcorp
Classification: Uncertain significance. Last evaluated: 2022-11-23. Review status: criteria provided, single submitter. Criteria: Invitae Variant Classification Sherloc (09022015). Collection method: clinical testing. Allele origin: germline.
Comment: In summary, the available evidence is currently insufficient to determine the role of this variant in disease. Therefore, it has been classified as a Variant of Uncertain Significance. Algorithms developed to predict the effect of missense changes on protein structure and function are either unavailable or do not agree on the potential impact of this missense change (SIFT: "Deleterious"; PolyPhen-2: "Probably Damaging"; Align-GVGD: "Class C0"). This variant has not been reported in the literature in individuals affected with ANKZF1-related conditions. This variant is present in population databases (no rsID available, gnomAD 0.003%). This sequence change replaces glutamic acid, which is acidic and polar, with aspartic acid, which is acidic and polar, at codon 656 of the ANKZF1 protein (p.Glu656Asp).